The following is an entry in ClinVar:

ClinVar aggregate classification (germline): Uncertain significance (1 of 4 stars; one submission).

Conditions:
Emery-Dreifuss muscular dystrophy 5, autosomal dominant (EDMD5). Also called: EMERY-DREIFUSS MUSCULAR DYSTROPHY 5. Identifiers: Orphanet 261, MedGen C2751805, MONDO:0013072, OMIM 612999.

gnomAD v4.1: 3 of 1,614,138 alleles (0.00019%); highest among the groups gnomAD compares: Middle Eastern, 0.017%; no homozygotes.

Submission:

Labcorp Genetics (formerly Invitae), Labcorp
Classification: Uncertain significance for Emery-Dreifuss muscular dystrophy 5, autosomal dominant. Last evaluated: 2024-12-31. Review status: criteria provided, single submitter. Criteria: Invitae Variant Classification Sherloc (09022015). Collection method: clinical testing. Allele origin: germline.
Comment: This sequence change replaces glycine, which is neutral and non-polar, with glutamic acid, which is acidic and polar, at codon 4221 of the SYNE2 protein (p.Gly4221Glu). This variant is not present in population databases (gnomAD no frequency). This variant has not been reported in the literature in individuals affected with SYNE2-related conditions. An algorithm developed to predict the effect of missense changes on protein structure and function outputs the following: PolyPhen-2: "Possibly Damaging". The glutamic acid amino acid residue is found in multiple mammalian species, which suggests that this missense change does not adversely affect protein function. In summary, the available evidence is currently insufficient to determine the role of this variant in disease. Therefore, it has been classified as a Variant of Uncertain Significance.

NM_182914.3(SYNE2):c.12662G>A (p.Gly4221Glu)

Gene: SYNE2 (spectrin repeat containing nuclear envelope protein 2; plus strand). Cytogenetic location: 14q23.2.
Variant type: single nucleotide variant.
Coding change: c.12662G>A on transcript NM_182914.3 (MANE Select); coding-DNA position 12662, G replaced by A.
Protein change: p.Gly4221Glu; replaces glycine 4221 with glutamic acid.
Molecular consequence: missense variant.
Genome position (GRCh38, 1-based): chr14:64,113,393, G>A. VCF-style: chr14-64113393-G-A. GRCh37 (hg19) VCF-style: chr14-64580111-G-A.
Other names: c.12662G>A, p.Gly4221Glu (NM_015180.6); short protein forms G4221E.
Identifiers: ClinVar variation 3698009 (VCV003698009.2).